The following is an entry in ClinVar:

ClinVar aggregate classification (germline): Uncertain significance. Review status: criteria provided, multiple submitters, no conflicts (2 of 4 stars). 3 submissions from 3 submitters: Uncertain significance (3). Last evaluated 2025-04-13.

Conditions:
Combined oxidative phosphorylation deficiency 39. Identifiers: Orphanet 565624, MedGen C5193075, MONDO:0032726, OMIM 618397.

Allele frequency attached by ClinVar (database versions not stated): gnomAD 0.00001; gnomAD exomes 0.00002; TOPMed 0.00002; ExAC 0.00003.

Submissions (3):

GeneDx
Classification: Uncertain significance. Last evaluated: 2025-04-13. Review status: criteria provided, single submitter. Criteria: GeneDx Variant Classification Process June 2021. Collection method: clinical testing. Allele origin: germline. Affected: yes.
Comment: Not observed at significant frequency in large population cohorts (gnomAD); In silico analysis supports a deleterious effect on splicing; Has not been previously published as pathogenic or benign to our knowledge

Department of Pathology and Laboratory Medicine, Sinai Health System
Classification: Uncertain significance for Combined oxidative phosphorylation deficiency 39. Last evaluated: 2023-09-18. Review status: criteria provided, single submitter. Criteria: ACMG Guidelines, 2015. Collection method: research. Allele origin: germline.

Labcorp Genetics (formerly Invitae), Labcorp
Classification: Uncertain significance. Last evaluated: 2023-05-23. Review status: criteria provided, single submitter. Criteria: Invitae Variant Classification Sherloc (09022015). Collection method: clinical testing. Allele origin: germline.
Comment: ClinVar contains an entry for this variant (Variation ID: 214521). This sequence change falls in intron 2 of the GFM2 gene. It does not directly change the encoded amino acid sequence of the GFM2 protein. It affects a nucleotide within the consensus splice site. The frequency data for this variant in the population databases is considered unreliable, as metrics indicate poor data quality at this position in the gnomAD database. This variant has not been reported in the literature in individuals affected with GFM2-related conditions. Variants that disrupt the consensus splice site are a relatively common cause of aberrant splicing (PMID: 17576681, 9536098). Algorithms developed to predict the effect of sequence changes on RNA splicing suggest that this variant may disrupt the consensus splice site. In summary, the available evidence is currently insufficient to determine the role of this variant in disease. Therefore, it has been classified as a Variant of Uncertain Significance.

Literature cited by the submitters: PubMed 17576681 (cited by Labcorp Genetics (formerly Invitae), Labcorp); PubMed 9536098 (cited by Labcorp Genetics (formerly Invitae), Labcorp).

NM_032380.5(GFM2):c.64-16_64-3del

Gene: GFM2 (GTP dependent ribosome recycling factor mitochondrial 2; minus strand). Cytogenetic location: 5q13.3.
Variant type: Deletion.
Coding change: c.64-16_64-3del on transcript NM_032380.5 (MANE Select); 16 bases into the intron before coding-DNA position 64 through 3 bases into the intron before coding-DNA position 64, 14 bases deleted (TTTTTCTCTTTACT).
Molecular consequence: intron variant.
Genome position (GRCh38, 1-based): chr5:74,760,989-74,761,002, AGTAAAGAGAAAAA deleted on the plus strand (TTTTTCTCTTTACT on the coding strand, the reverse complement: GFM2 is on the minus strand). VCF-style (leftmost placement, unchanged base first): chr5-74760988-TAGTAAAGAGAAAAA-T. GRCh37 (hg19) VCF-style: chr5-74056813-TAGTAAAGAGAAAAA-T.
Other names: c.64-16_64-3del (NM_170691.3, NM_170681.3); c.160-16_160-3del (NM_001281302.2).
Identifiers: ClinVar variation 214521 (VCV000214521.7), dbSNP rs751852874, ClinGen allele CA325166.